The following is an entry in ClinVar:

ClinVar aggregate classification (germline): Benign. Review status: reviewed by expert panel (3 of 4 stars). 3 submissions from 3 submitters: Benign (1). 2 of the submissions do not count toward it. Last evaluated 2026-04-07.

Conditions:
Beta-thalassemia HBB/LCRB. Identifiers: MedGen CN322236, MONDO:0013517, OMIM 613985.
beta Thalassemia (BTHAL). Also called: Cooley's anemia; Erythroblastic anemia; Mediterranean anemia. Identifiers: Orphanet 848, MedGen C0005283, MONDO:0019402. Disease mechanism: loss of function.

Allele frequency attached by ClinVar (database versions not stated): TOPMed 0.01781; gnomAD 0.02031 and 0.01965; 1000 Genomes Project 0.01078; 1000 Genomes Project 30x 0.01140.
gnomAD v4.1: 3,003 of 151,994 alleles (2%); highest among the groups gnomAD compares: Non-Finnish European, 2.9%; 46 homozygotes.

Submissions (3):

ClinGen Hemoglobinopathy Variant Curation Expert Panel, ClinGen
Classification: Benign for Beta-thalassemia HBB/LCRB. Last evaluated: 2026-04-07. Review status: reviewed by expert panel. Criteria: ClinGen Hb Opathy ACMG Specifications HBB V1.0.0. Collection method: curation. Allele origin: germline. Inheritance: Autosomal recessive inheritance.
Comment: The c.316-373C>A variant is a non-coding variant found in intron 2 of the HBB gene. The filtering allele frequency (the lower threshold of the 95% CI of 1962/67966) of the c.316-373C>A variant in HBB is 0.0278 for European (non-Finnish) chromosomes by gnomAD v4.1, which is higher than the ClinGen Hemoglobinopathy VCEP threshold for BA1 (≥0.005), and therefore meets this criterion (BA1). The results from two in silico predictors, CADD (PHRED score 3.093; VCEP threshold ≤11) and SpliceAI (Δ score 0; VCEP threshold ≤0.3), suggest that this variant is not expected to impact HBB function [BP4]. In summary, this variant meets criteria to be classified as benign for beta thalassemia (MONDO:0013517) in an autosomal recessive manner based on the ACMG/AMP criteria applied, as specified by the ClinGen Hemoglobinopathy VCEP (specification version 1.0.0): BA1, BP4

Labcorp Genetics (formerly Invitae), Labcorp
Classification: Benign. Last evaluated: 2026-02-04. Review status: criteria provided, single submitter. Criteria: Invitae Variant Classification Sherloc (09022015). Collection method: clinical testing. Allele origin: germline. Not counted in ClinVar's aggregate classification.

The ITHANET community portal, The Cyprus Institute of Neurology and Genetics
Classification: Benign for beta Thalassemia. Last evaluated: 2019-11-25. Review status: no assertion criteria provided. Collection method: curation. Allele origin: germline. Not counted in ClinVar's aggregate classification.

Literature cited by the submitters: PubMed 24401016 (cited by The ITHANET community portal, The Cyprus Institute of Neurology and Genetics).

NM_000518.5(HBB):c.316-373C>A

Genes: HBB (hemoglobin subunit beta; minus strand), LOC107133510 (origin of replication at HBB; plus strand), LOC110006319 (beta-globin gene 3' regulatory region; plus strand). Cytogenetic location: 11p15.4.
Variant type: single nucleotide variant.
Coding change: c.316-373C>A on transcript NM_000518.5 (MANE Select); 373 bases into the intron before coding-DNA position 316, C replaced by A.
Molecular consequence: intron variant.
Genome position (GRCh38, 1-based): chr11:5,226,099, G>T on the plus strand (C>A on the coding strand, the complement: HBB is on the minus strand). VCF-style: chr11-5226099-G-T. GRCh37 (hg19) VCF-style: chr11-5247329-G-T.
Other names: IVS II-478 C>A.
Identifiers: ClinVar variation 695343 (VCV000695343.13), dbSNP rs78815705, ClinGen allele CA217113064.